The following is an entry in ClinVar:

NM_001039569.2(AP1S3):c.430-5T>C

Gene: AP1S3 (adaptor related protein complex 1 subunit sigma 3; minus strand). Cytogenetic location: 2q36.1.
Variant type: single nucleotide variant.
Coding change: c.430-5T>C on transcript NM_001039569.2 (MANE Select); 5 bases into the intron before coding-DNA position 430, T replaced by C.
Molecular consequence: intron variant.
Genome position (GRCh38, 1-based): chr2:223,758,755, A>G on the plus strand (T>C on the coding strand, the complement: AP1S3 is on the minus strand). VCF-style: chr2-223758755-A-G. GRCh37 (hg19) VCF-style: chr2-224623472-A-G.
Identifiers: ClinVar variation 4983491 (VCV004983491.1).

ClinVar aggregate classification (germline): Uncertain significance (1 of 4 stars; one submission).

Conditions:
AP1S3-related disorder. Also called: AP1S3-related condition.

gnomAD v4.1: 18 of 1,608,126 alleles (0.0011%); highest among the groups gnomAD compares: Non-Finnish European, 0.0014%; no homozygotes.

Submission:

PreventionGenetics, part of Exact Sciences
Classification: Uncertain significance for AP1S3-related condition. Last evaluated: 2025-07-26. Review status: criteria provided, single submitter. Criteria: ACMG Guidelines, 2015. Collection method: clinical testing. Allele origin: germline.
Comment: The AP1S3 c.430-5T>C variant is predicted to interfere with splicing. To our knowledge, this variant has not been reported in the literature. This variant is reported in 0.00090% of alleles in individuals of European (Non-Finnish) descent in gnomAD. At this time, the clinical significance of this variant is uncertain due to the absence of conclusive functional and genetic evidence.